The following is an entry in ClinVar:

NM_001267550.2(TTN):c.22091G>A (p.Arg7364Gln)

Gene: TTN (titin; minus strand). Cytogenetic location: 2q31.2.
Variant type: single nucleotide variant.
Coding change: c.22091G>A on transcript NM_001267550.2 (MANE Select); coding-DNA position 22091, G replaced by A.
Protein change: p.Arg7364Gln; replaces arginine 7364 with glutamine.
Molecular consequence: missense variant. On other transcripts: intron variant (3).
Genome position (GRCh38, 1-based): chr2:178,722,808, C>T on the plus strand (G>A on the coding strand, the complement: TTN is on the minus strand). VCF-style: chr2-178722808-C-T. GRCh37 (hg19) VCF-style: chr2-179587535-C-T.
Other names: p.Arg6120Gln; p.Arg7047Gln; c.21140G>A, p.Arg7047Gln (NM_001256850.1); c.18359G>A, p.Arg6120Gln (NM_133378.4); c.13282+15274G>A (NM_003319.4); c.13858+15274G>A (NM_133437.4); c.13657+15274G>A (NM_133432.3); short protein forms R6120Q, R7364Q, R7047Q.
Identifiers: ClinVar variation 498675 (VCV000498675.15), dbSNP rs200128066, ClinGen allele CA2000902.
Genomic context (GRCh38, chr2:178,722,808, plus strand): 5'-TTATTAAAAACAAGTGTGGCCACATTGTTTGTAAAGTAGGTCCTGTATTCAGGAGTTGGC[C>T]GTAATTTGGTATCTCCTTTGTACCAAGACACTGTAATTTCTGGTGTCCCAGCAACTTGGC-3'
Protein context (NP_001254479.2, residues 7354-7374): VSWYKGDTKL[Arg7364Gln]PTPEYRTYFT

ClinVar aggregate classification (germline): Conflicting classifications of pathogenicity. Review status: criteria provided, conflicting classifications (1 of 4 stars). 10 submissions from 10 submitters: Uncertain significance (4); Likely benign (1). 5 of the submissions do not count toward it. Last evaluated 2025-04-04.

Conditions:
TTN-related disorder. Also called: TTN-related disorders; TTN-related condition; TTN-related disease.

Allele frequency attached by ClinVar (database versions not stated): ExAC 0.00003; gnomAD exomes 0.00004; TOPMed 0.00006; gnomAD 0.00010 and 0.00011; ESP Exome Variant Server 0.00033.
gnomAD v4.1: 131 of 1,613,092 alleles (0.0081%); highest among the groups gnomAD compares: Non-Finnish European, 0.01%; no homozygotes.

Submissions (10):

Mayo Clinic Laboratories, Mayo Clinic
Classification: Uncertain significance. Last evaluated: 2025-04-04. Review status: criteria provided, single submitter. Criteria: ACMG Guidelines, 2015. Collection method: clinical testing. Allele origin: germline. Observed: 3 variant alleles.
Comment: BP4

Women's Health and Genetics/Laboratory Corporation of America, LabCorp
Classification: Uncertain significance. Last evaluated: 2024-12-27. Review status: criteria provided, single submitter. Criteria: LabCorp Variant Classification Summary - May 2015. Collection method: clinical testing. Allele origin: germline.

Revvity Omics, Revvity
Classification: Uncertain significance. Last evaluated: 2023-05-26. Review status: criteria provided, single submitter. Criteria: ACMG Guidelines, 2015. Collection method: clinical testing. Allele origin: germline.

Blueprint Genetics
Classification: Likely benign. Last evaluated: 2022-09-23. Review status: criteria provided, single submitter. Criteria: ACMG Guidelines, 2015. Collection method: clinical testing. Allele origin: germline.

Eurofins Ntd Llc (ga)
Classification: Uncertain significance. Last evaluated: 2016-12-29. Review status: criteria provided, single submitter. Criteria: EGL Classification Definitions 2015. Collection method: clinical testing. Allele origin: germline. Observed: 2 variant alleles, 2 heterozygotes.

PreventionGenetics, part of Exact Sciences
Classification: Uncertain significance for TTN-related condition. Last evaluated: 2024-05-29. Review status: no assertion criteria provided. Collection method: clinical testing. Allele origin: germline. Not counted in ClinVar's aggregate classification.
Comment: The TTN c.22091G>A variant is predicted to result in the amino acid substitution p.Arg7364Gln. To our knowledge, this variant has not been reported in the literature. This variant is reported in 0.0083% of alleles in individuals of African descent in gnomAD. At this time, the clinical significance of this variant is uncertain due to the absence of conclusive functional and genetic evidence.

Clinical Genetics DNA and cytogenetics Diagnostics Lab, Erasmus MC, Erasmus Medical Center
Classification: Uncertain significance. Review status: no assertion criteria provided. Collection method: clinical testing. Allele origin: germline. Affected: yes. Study: VKGL Data-share Consensus. Not counted in ClinVar's aggregate classification.

Department of Pathology and Laboratory Medicine, Sinai Health System
Classification: Uncertain significance. Review status: no assertion criteria provided. Collection method: clinical testing. Allele origin: unknown. Affected: yes. Study: The Canadian Open Genetics Repository (COGR). Not counted in ClinVar's aggregate classification.
Comment: The TTN p.Arg6120Gln variant was not identified in the literature but was identified in dbSNP (ID: rs200128066) and ClinVar (classified as uncertain significance by EGL Genetic Diagnostics). The variant was identified in control databases in 13 of 279770 chromosomes at a frequency of 0.00004647 (Genome Aggregation Database March 6, 2019, v2.1.1). The variant was observed in the following populations: African in 2 of 24180 chromosomes (freq: 0.000083), European (non-Finnish) in 10 of 127912 chromosomes (freq: 0.000078) and Latino in 1 of 35270 chromosomes (freq: 0.000028), but was not observed in the Ashkenazi Jewish, East Asian, European (Finnish), Other, or South Asian populations. The p.Arg6120 residue is conserved in mammals and computational analyses (PolyPhen-2, SIFT, AlignGVGD, BLOSUM, MutationTaster) provide inconsistent predictions regarding the impact to the protein; this information is not very predictive of pathogenicity. The variant occurs outside of the splicing consensus sequence and in silico or computational prediction software programs (SpliceSiteFinder, MaxEntScan, NNSPLICE, GeneSplicer) do not predict a difference in splicing. In summary, based on the above information the clinical significance of this variant cannot be determined with certainty at this time. This variant is classified as a variant of uncertain significance.

Diagnostic Laboratory, Department of Genetics, University Medical Center Groningen
Classification: Uncertain significance. Review status: no assertion criteria provided. Collection method: clinical testing. Allele origin: germline. Affected: yes. Study: VKGL Data-share Consensus. Not counted in ClinVar's aggregate classification.

Genome Diagnostics Laboratory, University Medical Center Utrecht
Classification: Uncertain significance. Review status: no assertion criteria provided. Collection method: clinical testing. Allele origin: germline. Affected: yes. Study: VKGL Data-share Consensus. Not counted in ClinVar's aggregate classification.